The following is an entry in ClinVar:

ClinVar aggregate classification (germline): Likely pathogenic (1 of 4 stars; one submission).

Conditions:
Tuberous sclerosis 2 (TSC2). Identifiers: Orphanet 805, MedGen C1860707, MONDO:0013199, OMIM 613254.

Submission:

3billion
Classification: Likely pathogenic for Tuberous sclerosis 2. Last evaluated: 2025-12-10. Review status: criteria provided, single submitter. Criteria: ACMG Guidelines, 2015. Collection method: clinical testing. Allele origin: germline. Affected: yes.
Comment: The variant is not observed in the gnomAD v4.1.0 dataset. Predicted Consequence/Location: Frameshift: predicted to result in a loss or disruption of normal protein function through nonsense-mediated decay (NMD) or protein truncation. Multiple pathogenic variants are reported downstream of the variant. Therefore, this variant is classified as Likely pathogenic according to the recommendation of ACMG/AMP guideline.

NM_000548.5(TSC2):c.3319del (p.Glu1107fs)

Gene: TSC2 (TSC complex subunit 2; plus strand). Cytogenetic location: 16p13.3.
Variant type: Deletion.
Coding change: c.3319del on transcript NM_000548.5 (MANE Select); coding-DNA position 3319, one base deleted (G; older notation c.3319delG).
Protein change: p.Glu1107fs; shifts the reading frame from glutamic acid 1107.
Molecular consequence: frameshift variant. On other transcripts: non-coding transcript variant (5).
Genome position (GRCh38, 1-based): chr16:2,079,591, G deleted; the last of 2 consecutive G bases (chr16:2,079,590-2,079,591); deleting either gives the same sequence. VCF-style (leftmost placement, unchanged base first): chr16-2079589-AG-A. GRCh37 (hg19) VCF-style: chr16-2129590-AG-A.
Other names: c.3187del, p.Glu1063fs (NM_001077183.3, NM_001370404.1, NM_001406665.1); c.3319del, p.Glu1107fs (NM_001114382.3); c.3079del, p.Glu1027fs (NM_001318827.2); c.3043del, p.Glu1015fs (NM_001318829.2); c.2587del, p.Glu863fs (NM_001318831.2, NM_001406687.1, NM_001406688.1); c.3220del, p.Glu1074fs (NM_001318832.2); c.3190del, p.Glu1064fs (NM_001363528.2, NM_001370405.1, NM_021055.3); c.3316del, p.Glu1106fs (NM_001406663.1, NM_001406664.1); and 18 more; short protein forms E1014fs, E1015fs, E1026fs, E1027fs, E1044fs, E1057fs, E1058fs, E1059fs.
Identifiers: ClinVar variation 4854245 (VCV004854245.1).